The following is an entry in ClinVar:

NM_006648.4(WNK2):c.2216C>T (p.Pro739Leu)

Gene: WNK2 (WNK lysine deficient protein kinase 2; plus strand). Cytogenetic location: 9q22.31.
Variant type: single nucleotide variant.
Coding change: c.2216C>T on transcript NM_006648.4 (MANE Select); coding-DNA position 2216, C replaced by T.
Protein change: p.Pro739Leu; replaces proline 739 with leucine.
Molecular consequence: missense variant.
Genome position (GRCh38, 1-based): chr9:93,256,973, C>T. VCF-style: chr9-93256973-C-T. GRCh37 (hg19) VCF-style: chr9-96019255-C-T.
Other names: c.2216C>T, p.Pro739Leu (NM_001282394.3); short protein forms P739L.
Identifiers: ClinVar variation 3470586 (VCV003470586.1).
Genomic context (GRCh38, chr9:93,256,973, plus strand): 5'-GGTGGTCTAAGGGGAGCTACCTTCTCTCCCTCTAGCCTCCTCCGCTGGCCCAGCCGACAC[C>T]CCTGCCGCAGGTCCTGGCCCCACAGCCCGTGGTCCCCCTCCAGCCGGTTCCCCCCCACCT-3'
Protein context (NP_006639.3, residues 729-749): QQPPPLAQPT[Pro739Leu]LPQVLAPQPV

ClinVar aggregate classification (germline): Uncertain significance (1 of 4 stars; one submission).

gnomAD v4.1: 3 of 1,585,764 alleles (0.00019%); highest among the groups gnomAD compares: Non-Finnish European, 0.00017%; no homozygotes.

Submission:

Ambry Genetics
Classification: Uncertain significance. Last evaluated: 2024-12-04. Review status: criteria provided, single submitter. Criteria: Ambry Variant Classification Scheme 2023. Collection method: clinical testing. Allele origin: germline.
Comment: The p.P739L variant (also known as c.2216C>T), located in coding exon 10 of the WNK2 gene, results from a C to T substitution at nucleotide position 2216. The proline at codon 739 is replaced by leucine, an amino acid with similar properties. This amino acid position is conserved. In addition, this alteration is predicted to be tolerated by in silico analysis. Based on the available evidence, the clinical significance of this variant remains unclear.